The following is an entry in ClinVar:

ClinVar aggregate classification (germline): Likely pathogenic (1 of 4 stars; one submission).

Conditions:
ADCY5-related disorder. Also called: ADCY5-related condition.

Submission:

PreventionGenetics, part of Exact Sciences
Classification: Likely pathogenic for ADCY5-related condition. Last evaluated: 2026-07-21. Review status: criteria provided, single submitter. Criteria: ACMG Guidelines, 2015. Collection method: clinical testing. Allele origin: germline.
Comment: The ADCY5 c.1407-1G>A variant is predicted to disrupt the AG splice acceptor site and interfere with normal splicing. This change disrupts a canonical splice acceptor site, and altered splicing eliminating the adjacent exon would lead to a frameshifted protein product. To our knowledge, this variant has not been reported in the literature or in a large population database (gnomAD), indicating this variant is rare. Variants that disrupt the consensus splice acceptor site in ADCY5 are expected to be pathogenic. Loss-of-function variants in ADCY5 have been reported in the homozygous and compound heterozygous states in individuals with autosomal recessive ADCY5-related disorders (Kaiyrzhanov et al. 2021. PubMed ID: 34631954; Barrett et al. 2017. PubMed ID: 28971144; Supp. data, Powis. 2020. PubMed ID: 31628766). This variant is interpreted as likely pathogenic for autosomal recessive ADCY5-related disorders; however, it is uncertain if this variant would result in autosomal dominant ADCY5-related disorders.

NM_183357.3(ADCY5):c.1407-1G>A

Gene: ADCY5 (adenylate cyclase 5; minus strand). Cytogenetic location: 3q21.1.
Variant type: single nucleotide variant.
Coding change: c.1407-1G>A on transcript NM_183357.3 (MANE Select); the canonical splice acceptor site of the intron before coding-DNA position 1407, G replaced by A.
Molecular consequence: splice acceptor variant.
Genome position (GRCh38, 1-based): chr3:123,332,676, C>T on the plus strand (G>A on the coding strand, the complement: ADCY5 is on the minus strand). VCF-style: chr3-123332676-C-T. GRCh37 (hg19) VCF-style: chr3-123051523-C-T.
Other names: c.1407-1G>A (NM_001378259.1); c.357-1G>A (NM_001199642.1).
Identifiers: ClinVar variation 4980998 (VCV004980998.1).